The following is an entry in ClinVar:

ClinVar aggregate classification (germline): Uncertain significance (1 of 4 stars; one submission).

Conditions:
Autosomal recessive limb-girdle muscular dystrophy type 2J (LGMDR10). Also called: Limb-girdle muscular dystrophy, type 2J; MUSCULAR DYSTROPHY, LIMB-GIRDLE, AUTOSOMAL RECESSIVE 10. Identifiers: Orphanet 140922, MedGen C1837342, MONDO:0012127, OMIM 608807.
Dilated cardiomyopathy 1G (CMD1G). Identifiers: Orphanet 154, MedGen C1858763, MONDO:0011400, OMIM 604145.

Allele frequency attached by ClinVar (database versions not stated): gnomAD exomes 0.00001.
gnomAD v4.1: 3 of 1,613,642 alleles (0.00019%); highest among the groups gnomAD compares: South Asian, 0.0033%; no homozygotes.

Submission:

Labcorp Genetics (formerly Invitae), Labcorp
Classification: Uncertain significance for Dilated cardiomyopathy 1G; Autosomal recessive limb-girdle muscular dystrophy type 2J. Last evaluated: 2022-04-08. Review status: criteria provided, single submitter. Criteria: Invitae Variant Classification Sherloc (09022015). Collection method: clinical testing. Allele origin: germline.
Comment: This variant is located in the M band of TTN (PMID: 25589632). Variants in this region may be relevant for neuromuscular disorders, but have not been definitively shown to cause cardiomyopathy (PMID: 23975875). In summary, the available evidence is currently insufficient to determine the role of this variant in disease. Therefore, it has been classified as a Variant of Uncertain Significance. Experimental studies and prediction algorithms are not available or were not evaluated, and the functional significance of this variant is currently unknown. This variant has not been reported in the literature in individuals affected with TTN-related conditions. This variant is present in population databases (no rsID available, gnomAD 0.007%). This sequence change replaces valine, which is neutral and non-polar, with phenylalanine, which is neutral and non-polar, at codon 33991 of the TTN protein (p.Val33991Phe).

Literature cited by the submitters: PubMed 25589632; PubMed 23975875.

NM_001267550.2(TTN):c.101971G>T (p.Val33991Phe)

Genes: TTN (titin; minus strand), TTN-AS1 (TTN antisense RNA 1; plus strand). Cytogenetic location: 2q31.2.
Variant type: single nucleotide variant.
Coding change: c.101971G>T on transcript NM_001267550.2 (MANE Select); coding-DNA position 101971, G replaced by T.
Protein change: p.Val33991Phe; replaces valine 33991 with phenylalanine.
Molecular consequence: missense variant.
Genome position (GRCh38, 1-based): chr2:178,534,644, C>A on the plus strand (G>T on the coding strand, the complement: TTN is on the minus strand). VCF-style: chr2-178534644-C-A. GRCh37 (hg19) VCF-style: chr2-179399371-C-A.
Other names: c.97048G>T, p.Val32350Phe (NM_001256850.1); c.74776G>T, p.Val24926Phe (NM_003319.4); c.94267G>T, p.Val31423Phe (NM_133378.4); c.75151G>T, p.Val25051Phe (NM_133432.3); c.75352G>T, p.Val25118Phe (NM_133437.4); short protein forms V32350F, V33991F, V25051F, V25118F, V24926F, V31423F.
Identifiers: ClinVar variation 2121027 (VCV002121027.4), dbSNP rs1423532628, ClinGen allele CA349418715.